The following is an entry in ClinVar:

ClinVar aggregate classification (germline): Conflicting classifications of pathogenicity. Review status: criteria provided, conflicting classifications (1 of 4 stars). 2 submissions from 2 submitters: Uncertain significance (1); Likely benign (1). Last evaluated 2025-11-26.

Conditions:
Hereditary cancer-predisposing syndrome. Also called: Hereditary Cancer Syndrome; Neoplastic Syndromes, Hereditary; Tumor predisposition; Hereditary neoplastic syndrome. Identifiers: Orphanet 140162, MedGen C0027672, MeSH D009386, MONDO:0015356.
Hereditary breast ovarian cancer syndrome. Also called: Hereditary breast and ovarian cancer syndrome; Hereditary breast and ovarian cancer; Hereditary breast and ovarian cancer syndrome (HBOC); Breast and ovarian cancer; Hereditary breast and/or ovarian cancer syndrome; BRCA1- and BRCA2-Associated Hereditary Breast and Ovarian Cancer. Identifiers: Orphanet 145, MedGen C0677776, MeSH D061325, MONDO:0003582. Disease mechanism: loss of function.

Allele frequency attached by ClinVar (database versions not stated): gnomAD exomes below 0.00001 and 0.00001.

Submissions (2):

Labcorp Genetics (formerly Invitae), Labcorp
Classification: Uncertain significance for Hereditary breast ovarian cancer syndrome. Last evaluated: 2025-11-26. Review status: criteria provided, single submitter. Criteria: Invitae Variant Classification Sherloc (09022015). Collection method: clinical testing. Allele origin: germline.
Comment: This sequence change replaces phenylalanine, which is neutral and non-polar, with leucine, which is neutral and non-polar, at codon 3362 of the BRCA2 protein (p.Phe3362Leu). This variant is present in population databases (no rsID available, gnomAD 0.003%). This variant has not been reported in the literature in individuals affected with BRCA2-related conditions. ClinVar contains an entry for this variant (Variation ID: 480986). Invitae Evidence Modeling of protein sequence and biophysical properties (such as structural, functional, and spatial information, amino acid conservation, physicochemical variation, residue mobility, and thermodynamic stability) indicates that this missense variant is not expected to disrupt BRCA2 protein function with a negative predictive value of 95%. In summary, the available evidence is currently insufficient to determine the role of this variant in disease. Therefore, it has been classified as a Variant of Uncertain Significance.

Ambry Genetics
Classification: Likely benign for Hereditary cancer-predisposing syndrome. Last evaluated: 2016-12-16. Review status: criteria provided, single submitter. Criteria: Ambry Variant Classification Scheme 2023. Collection method: clinical testing. Allele origin: germline.

NM_000059.4(BRCA2):c.10084T>C (p.Phe3362Leu)

Gene: BRCA2 (BRCA2 DNA repair associated; plus strand). Cytogenetic location: 13q13.1.
Variant type: single nucleotide variant.
Coding change: c.10084T>C on transcript NM_000059.4 (MANE Select); coding-DNA position 10084, T replaced by C.
Protein change: p.Phe3362Leu; replaces phenylalanine 3362 with leucine.
Molecular consequence: missense variant.
Genome position (GRCh38, 1-based): chr13:32,398,597, T>C. VCF-style: chr13-32398597-T-C. GRCh37 (hg19) VCF-style: chr13-32972734-T-C.
Other names: short protein forms F3362L.
Identifiers: ClinVar variation 480986 (VCV000480986.7), dbSNP rs1356012723, ClinGen allele CA387767942.